The following is an entry in ClinVar:

ClinVar aggregate classification (germline): Uncertain significance. Review status: criteria provided, multiple submitters, no conflicts (2 of 4 stars). 2 submissions from 2 submitters: Uncertain significance (2). Last evaluated 2026-07-21.

Conditions:
Hereditary cancer-predisposing syndrome. Also called: Hereditary Cancer Syndrome; Neoplastic Syndromes, Hereditary; Hereditary neoplastic syndrome; Tumor predisposition. Identifiers: Orphanet 140162, MedGen C0027672, MeSH D009386, MONDO:0015356.
Gorlin syndrome. Also called: Nevoid Basal Cell Carcinoma Syndrome; Basal cell nevus syndrome. Identifiers: Orphanet 377, MedGen C0004779, MONDO:0007187.

Submissions (2):

Ambry Genetics
Classification: Uncertain significance for Hereditary cancer-predisposing syndrome. Last evaluated: 2026-07-21. Review status: criteria provided, single submitter. Criteria: Ambry Variant Classification Scheme 2023. Collection method: clinical testing. Allele origin: germline.
Comment: The p.E164K variant (also known as c.490G>A), located in coding exon 3 of the PTCH1 gene, results from a G to A substitution at nucleotide position 490. The glutamic acid at codon 164 is replaced by lysine, an amino acid with similar properties. This amino acid position is highly conserved in available vertebrate species. In addition, the in silico prediction for this alteration is inconclusive. Based on the available evidence, the clinical significance of this variant remains unclear.

Labcorp Genetics (formerly Invitae), Labcorp
Classification: Uncertain significance for Gorlin syndrome. Last evaluated: 2025-08-07. Review status: criteria provided, single submitter. Criteria: Invitae Variant Classification Sherloc (09022015). Collection method: clinical testing. Allele origin: germline.
Comment: This sequence change replaces glutamic acid, which is acidic and polar, with lysine, which is basic and polar, at codon 164 of the PTCH1 protein (p.Glu164Lys). This variant is not present in population databases (gnomAD no frequency). This missense change has been observed in individual(s) with features of basal cell nevus syndrome (BCNS) (PMID: 33418956). ClinVar contains an entry for this variant (Variation ID: 1422134). Invitae Evidence Modeling of protein sequence and biophysical properties (such as structural, functional, and spatial information, amino acid conservation, physicochemical variation, residue mobility, and thermodynamic stability) indicates that this missense variant is not expected to disrupt PTCH1 protein function with a negative predictive value of 95%. In summary, the available evidence is currently insufficient to determine the role of this variant in disease. Therefore, it has been classified as a Variant of Uncertain Significance.

Literature cited by the submitters: PubMed 33418956 (cited by Labcorp Genetics (formerly Invitae), Labcorp).

NM_000264.5(PTCH1):c.490G>A (p.Glu164Lys)

Gene: PTCH1 (patched 1; minus strand). Cytogenetic location: 9q22.32.
Variant type: single nucleotide variant.
Coding change: c.490G>A on transcript NM_000264.5 (MANE Select); coding-DNA position 490, G replaced by A.
Protein change: p.Glu164Lys; replaces glutamic acid 164 with lysine.
Molecular consequence: missense variant. On other transcripts: non-coding transcript variant (1).
Genome position (GRCh38, 1-based): chr9:95,485,779, C>T on the plus strand (G>A on the coding strand, the complement: PTCH1 is on the minus strand). VCF-style: chr9-95485779-C-T. GRCh37 (hg19) VCF-style: chr9-98248061-C-T.
Other names: c.292G>A, p.Glu98Lys (NM_001083602.3, NM_001354919.2); c.487G>A, p.Glu163Lys (NM_001083603.3); c.37G>A, p.Glu13Lys (NM_001083604.3, NM_001083605.3, NM_001083606.3 and 1 more transcripts); c.490G>A, p.Glu164Lys (NM_001354918.2); c.490G>A (NM_000264.3); short protein forms E164K, E13K, E163K, E98K.
Identifiers: ClinVar variation 1422134 (VCV001422134.7), dbSNP rs2118544070, ClinGen allele CA374116960.